The following is an entry in ClinVar:

NM_182961.4(SYNE1):c.10863_10866del (p.Ser3622fs)

Gene: SYNE1 (spectrin repeat containing nuclear envelope protein 1; minus strand). Cytogenetic location: 6q25.2.
Variant type: Deletion.
Coding change: c.10863_10866del on transcript NM_182961.4 (MANE Select); coding-DNA positions 10863 to 10866, 4 bases deleted (TAGT; older notation c.10863_10866delTAGT).
Protein change: p.Ser3622fs; shifts the reading frame from serine 3622.
Molecular consequence: frameshift variant. On other transcripts: splice donor variant (1).
Genome position (GRCh38, 1-based): chr6:152,354,719-152,354,722, ACTA deleted on the plus strand (TAGT on the coding strand, the reverse complement: SYNE1 is on the minus strand); deleting any 4 consecutive bases within chr6:152,354,719-152,354,725 gives the same sequence; the c. name uses the placement nearest the transcript's 3' end. VCF-style (leftmost placement, unchanged base first): chr6-152354718-GACTA-G. GRCh37 (hg19) VCF-style: chr6-152675853-GACTA-G.
Other names: c.10881+3_10881+6del (NM_033071.5); short protein forms S3622fs.
Identifiers: ClinVar variation 2499216 (VCV002499216.4), dbSNP rs2488273119, ClinGen allele CA2580075227.
Genomic context (GRCh38, chr6:152,354,718, plus strand): 5'-CCTTCATCTGATGTAATTGTATCTCCTTGGTTGCCCTGTTAGACTGACGTCTGGTCCTGG[GACTA>G]ACTTTCTCCTCTGCTGTTTTGAGCCATTCATCTACTTGCTGAAACTTTTGCTCCATTAGC-3'

ClinVar aggregate classification (germline): Uncertain significance. Review status: criteria provided, multiple submitters, no conflicts (2 of 4 stars). 2 submissions from 2 submitters: Uncertain significance (2). Last evaluated 2023-08-21.

Conditions:
Emery-Dreifuss muscular dystrophy 4, autosomal dominant (EDMD4). Also called: EMERY-DREIFUSS MUSCULAR DYSTROPHY 4 WITH VARIABLE FEATURES. Identifiers: Orphanet 261, MedGen C2751807, MONDO:0013071, OMIM 612998.
Autosomal recessive ataxia, Beauce type. Also called: ATAXIA, RECESSIVE, OF BEAUCE; SYNE1 Deficiency; Spinocerebellar ataxia, autosomal recessive 8; SYNE1-Related Autosomal Recessive Cerebellar Ataxia. Identifiers: Orphanet 88644, MedGen C1853116, MONDO:0012549, OMIM 610743.

Submissions (2):

Labcorp Genetics (formerly Invitae), Labcorp
Classification: Uncertain significance for Emery-Dreifuss muscular dystrophy 4, autosomal dominant; Autosomal recessive ataxia, Beauce type. Last evaluated: 2023-08-21. Review status: criteria provided, single submitter. Criteria: Invitae Variant Classification Sherloc (09022015). Collection method: clinical testing. Allele origin: germline.
Comment: ClinVar contains an entry for this variant (Variation ID: 2499216). This variant has not been reported in the literature in individuals affected with SYNE1-related conditions. This variant is not present in population databases (gnomAD no frequency). This sequence change falls in intron 67 of the SYNE1 gene. It does not directly change the encoded amino acid sequence of the SYNE1 protein. It affects a nucleotide within the consensus splice site. Variants that disrupt the consensus splice site are a relatively common cause of aberrant splicing (PMID: 17576681, 9536098). Algorithms developed to predict the effect of sequence changes on RNA splicing suggest that this variant is not likely to affect RNA splicing. In summary, the available evidence is currently insufficient to determine the role of this variant in disease. Therefore, it has been classified as a Variant of Uncertain Significance.

GeneDx
Classification: Uncertain significance. Last evaluated: 2022-10-14. Review status: criteria provided, single submitter. Criteria: GeneDx Variant Classification Process June 2021. Collection method: clinical testing. Allele origin: germline. Affected: yes.
Comment: Not observed at significant frequency in large population cohorts (gnomAD); Has not been previously published as pathogenic or benign to our knowledge; In-silico analysis is inconclusive as to whether the variant alters gene splicing. In the absence of RNA/functional studies, the actual effect of this sequence change is unknown.

Literature cited by the submitters: PubMed 17576681 (cited by Labcorp Genetics (formerly Invitae), Labcorp); PubMed 9536098 (cited by Labcorp Genetics (formerly Invitae), Labcorp).